The following is an entry in ClinVar:

NM_000057.4(BLM):c.2078G>A (p.Gly693Asp)

Gene: BLM (BLM RecQ like helicase; plus strand). Cytogenetic location: 15q26.1.
Variant type: single nucleotide variant.
Coding change: c.2078G>A on transcript NM_000057.4 (MANE Select); coding-DNA position 2078, G replaced by A.
Protein change: p.Gly693Asp; replaces glycine 693 with aspartic acid.
Molecular consequence: missense variant.
Genome position (GRCh38, 1-based): chr15:90,765,299, G>A. VCF-style: chr15-90765299-G-A. GRCh37 (hg19) VCF-style: chr15-91308529-G-A.
Other names: c.2078G>A, p.Gly693Asp (NM_001287246.2, NM_001287247.2); c.953G>A, p.Gly318Asp (NM_001287248.2); c.2078G>A (NM_000057.2); short protein forms G318D, G693D.
Identifiers: ClinVar variation 1014439 (VCV001014439.13), dbSNP rs771864442, ClinGen allele CA7738659.
Genomic context (GRCh38, chr15:90,765,299, plus strand): 5'-TACATTCATGCTCTGAAGACAGAACCTGACAGATATTTTTTCATTGTTCTCTTTCAGGAG[G>A]TGGTAAGAGTTTGTGTTACCAGCTCCCTGCCTGTGTTTCTCCTGGGGTCACTGTTGTCAT-3'
Protein context (NP_000048.1, residues 683-703): EDCFILMPTG[Gly693Asp]GKSLCYQLPA

ClinVar aggregate classification (germline): Uncertain significance. Review status: criteria provided, multiple submitters, no conflicts (2 of 4 stars). 3 submissions from 3 submitters: Uncertain significance (2). 1 of the submissions does not count toward it. Last evaluated 2024-10-19.

Conditions:
Hereditary cancer-predisposing syndrome. Also called: Hereditary Cancer Syndrome; Tumor predisposition; Neoplastic Syndromes, Hereditary; Hereditary neoplastic syndrome. Identifiers: Orphanet 140162, MedGen C0027672, MeSH D009386, MONDO:0015356.
Bloom syndrome (BLM). Also called: Bloom-Torre-Machacek syndrome. Identifiers: Orphanet 125, MedGen C0005859, MONDO:0008876, OMIM 210900.

Allele frequency attached by ClinVar (database versions not stated): gnomAD exomes below 0.00001 and 0.00001; TOPMed 0.00001; ExAC 0.00002; gnomAD 0.00002.
gnomAD v4.1: 6 of 1,598,158 alleles (0.00038%); highest among the groups gnomAD compares: South Asian, 0.0011%; no homozygotes.

Submissions (3):

Ambry Genetics
Classification: Uncertain significance for Hereditary cancer-predisposing syndrome. Last evaluated: 2024-10-19. Review status: criteria provided, single submitter. Criteria: Ambry Variant Classification Scheme 2023. Collection method: clinical testing. Allele origin: germline.
Comment: The p.G693D variant (also known as c.2078G>A), located in coding exon 8 of the BLM gene, results from a G to A substitution at nucleotide position 2078. The glycine at codon 693 is replaced by aspartic acid, an amino acid with similar properties. This amino acid position is conserved. In addition, this alteration is predicted to be deleterious by in silico analysis. Since supporting evidence is limited at this time, the clinical significance of this alteration remains unclear.

Labcorp Genetics (formerly Invitae), Labcorp
Classification: Uncertain significance for Bloom syndrome. Last evaluated: 2024-05-28. Review status: criteria provided, single submitter. Criteria: Invitae Variant Classification Sherloc (09022015). Collection method: clinical testing. Allele origin: germline.
Comment: This sequence change replaces glycine, which is neutral and non-polar, with aspartic acid, which is acidic and polar, at codon 693 of the BLM protein (p.Gly693Asp). This variant is present in population databases (rs771864442, gnomAD 0.002%). This variant has not been reported in the literature in individuals affected with BLM-related conditions. ClinVar contains an entry for this variant (Variation ID: 1014439). Advanced modeling of protein sequence and biophysical properties (such as structural, functional, and spatial information, amino acid conservation, physicochemical variation, residue mobility, and thermodynamic stability) performed at Invitae indicates that this missense variant is expected to disrupt BLM protein function with a positive predictive value of 80%. In summary, the available evidence is currently insufficient to determine the role of this variant in disease. Therefore, it has been classified as a Variant of Uncertain Significance.

Natera, Inc.
Classification: Uncertain significance for Bloom syndrome. Last evaluated: 2021-02-22. Review status: no assertion criteria provided. Collection method: clinical testing. Allele origin: germline. Not counted in ClinVar's aggregate classification.